The following is an entry in ClinVar:

NM_006767.4(LZTR1):c.2279G>T (p.Cys760Phe)

Gene: LZTR1 (leucine zipper like post translational regulator 1; plus strand). Cytogenetic location: 22q11.21.
Variant type: single nucleotide variant.
Coding change: c.2279G>T on transcript NM_006767.4 (MANE Select); coding-DNA position 2279, G replaced by T.
Protein change: p.Cys760Phe; replaces cysteine 760 with phenylalanine.
Molecular consequence: missense variant.
Genome position (GRCh38, 1-based): chr22:20,996,755, G>T. VCF-style: chr22-20996755-G-T. GRCh37 (hg19) VCF-style: chr22-21351044-G-T.
Other names: short protein forms C760F.
Identifiers: ClinVar variation 1788898 (VCV001788898.2), dbSNP rs1181002142, ClinGen allele CA410780849.

ClinVar aggregate classification (germline): Uncertain significance (1 of 4 stars; one submission).

Conditions:
Hereditary cancer-predisposing syndrome. Also called: Hereditary Cancer Syndrome; Hereditary neoplastic syndrome; Tumor predisposition; Neoplastic Syndromes, Hereditary. Identifiers: Orphanet 140162, MedGen C0027672, MeSH D009386, MONDO:0015356.
Cardiovascular phenotype. Identifiers: MedGen CN230736.

Submission:

Ambry Genetics
Classification: Uncertain significance for Cardiovascular phenotype; Hereditary cancer-predisposing syndrome. Last evaluated: 2022-08-22. Review status: criteria provided, single submitter. Criteria: Ambry Variant Classification Scheme 2023. Collection method: clinical testing. Allele origin: germline.
Comment: The p.C760F variant (also known as c.2279G>T), located in coding exon 19 of the LZTR1 gene, results from a G to T substitution at nucleotide position 2279. The cysteine at codon 760 is replaced by phenylalanine, an amino acid with highly dissimilar properties. This amino acid position is conserved. In addition, this alteration is predicted to be deleterious by in silico analysis. Since supporting evidence is limited at this time, the clinical significance of this alteration remains unclear.